The following is an entry in ClinVar:

NM_000038.6(APC):c.5552del (p.Gly1851fs)

Gene: APC (APC regulator of Wnt signaling pathway; plus strand). Cytogenetic location: 5q22.2.
Variant type: Deletion.
Coding change: c.5552del on transcript NM_000038.6 (MANE Select); coding-DNA position 5552, one base deleted (G; older notation c.5552delG).
Protein change: p.Gly1851fs; shifts the reading frame from glycine 1851.
Molecular consequence: frameshift variant. On other transcripts: non-coding transcript variant (2).
Genome position (GRCh38, 1-based): chr5:112,841,146, G deleted; the last of 2 consecutive G bases (chr5:112,841,145-112,841,146); deleting either gives the same sequence. VCF-style (leftmost placement, unchanged base first): chr5-112841144-AG-A. GRCh37 (hg19) VCF-style: chr5-112176841-AG-A.
Other names: c.5552del, p.Gly1851fs (NM_001127510.3, NM_001354895.2, NM_001407450.1); c.5498del, p.Gly1833fs (NM_001127511.3); c.5606del, p.Gly1869fs (NM_001354896.2, NM_001407447.1, NM_001407448.1 and 1 more transcripts); c.5582del, p.Gly1861fs (NM_001354897.2); c.5477del, p.Gly1826fs (NM_001354898.2); c.5468del, p.Gly1823fs (NM_001354899.2); c.5429del, p.Gly1810fs (NM_001354900.2); c.5375del, p.Gly1792fs (NM_001354901.2, NM_001407453.1); and 12 more; short protein forms G1568fs, G1768fs, G1861fs, G1750fs, G1826fs, G1833fs, G1844fs, G1467fs.
Identifiers: ClinVar variation 3648419 (VCV003648419.3).

ClinVar aggregate classification (germline): Pathogenic/Likely pathogenic. Review status: criteria provided, multiple submitters, no conflicts (2 of 4 stars). 2 submissions from 2 submitters: Pathogenic (1); Likely pathogenic (1). Last evaluated 2025-07-15.

Conditions:
Familial adenomatous polyposis 1 (FAP1). Also called: FAMILIAL ADENOMATOUS POLYPOSIS 1, ATTENUATED; POLYPOSIS, ADENOMATOUS INTESTINAL. Identifiers: MedGen C2713442, MONDO:0021056, OMIM 175100. Disease mechanism: loss of function.
Hereditary cancer-predisposing syndrome. Also called: Neoplastic Syndromes, Hereditary; Tumor predisposition; Hereditary neoplastic syndrome; Hereditary Cancer Syndrome. Identifiers: Orphanet 140162, MedGen C0027672, MeSH D009386, MONDO:0015356.

Submissions (2):

Ambry Genetics
Classification: Likely pathogenic for Hereditary cancer-predisposing syndrome. Last evaluated: 2025-07-15. Review status: criteria provided, single submitter. Criteria: Ambry Variant Classification Scheme 2023. Collection method: clinical testing. Allele origin: germline.
Comment: The c.5552delG variant, located in coding exon 15 of the APC gene, results from a deletion of one nucleotide at nucleotide position 5552, causing a translational frameshift with a predicted alternate stop codon (p.G1851Efs*12). This alteration occurs at the 3' terminus of theAPC gene, is not expected to trigger nonsense-mediated mRNA decay, and impacts the last 35% of the protein. However, premature stop codons are typically deleterious in nature and a significant portion of the protein is affected (Ambry internal data). This variant is considered to be rare based on population cohorts in the Genome Aggregation Database (gnomAD). Based on the majority of available evidence to date, this variant is likely to be pathogenic.

Labcorp Genetics (formerly Invitae), Labcorp
Classification: Pathogenic for Familial adenomatous polyposis 1. Last evaluated: 2024-04-02. Review status: criteria provided, single submitter. Criteria: Invitae Variant Classification Sherloc (09022015). Collection method: clinical testing. Allele origin: germline.
Comment: This sequence change creates a premature translational stop signal (p.Gly1851Glufs*12) in the APC gene. While this is not anticipated to result in nonsense mediated decay, it is expected to disrupt the last 993 amino acid(s) of the APC protein. This variant is not present in population databases (gnomAD no frequency). This variant has not been reported in the literature in individuals affected with APC-related conditions. A different truncation (p.Tyr2645Lysfs*14) that lies downstream of this variant has been determined to be pathogenic (PMID: 9824584, 1316610, 27081525, 8381579, 22135120, Invitae). This suggests that deletion of this region of the APC protein is causative of disease. This variant is expected to disrupt the EB1 and HDLG binding sites, which mediate interactions with the cytoskeleton (PMID: 15311282, 17293347). While functional studies have not been performed to directly test the effect on APC protein function, this suggests that disruption of the C-terminal portion of the protein is functionally important. For these reasons, this variant has been classified as Pathogenic.

Literature cited by the submitters: PubMed 9824584 (cited by Labcorp Genetics (formerly Invitae), Labcorp); PubMed 1316610 (cited by Labcorp Genetics (formerly Invitae), Labcorp); PubMed 27081525 (cited by Labcorp Genetics (formerly Invitae), Labcorp); PubMed 8381579 (cited by Labcorp Genetics (formerly Invitae), Labcorp); PubMed 22135120 (cited by Labcorp Genetics (formerly Invitae), Labcorp); PubMed 15311282 (cited by Labcorp Genetics (formerly Invitae), Labcorp); PubMed 17293347 (cited by Labcorp Genetics (formerly Invitae), Labcorp).